The following is an entry in ClinVar:

ClinVar aggregate classification (germline): Uncertain significance (1 of 4 stars; one submission).

Conditions:
Bloom syndrome (BLM). Also called: Bloom-Torre-Machacek syndrome. Identifiers: Orphanet 125, MedGen C0005859, MONDO:0008876, OMIM 210900.

Submission:

Labcorp Genetics (formerly Invitae), Labcorp
Classification: Uncertain significance for Bloom syndrome. Last evaluated: 2024-01-11. Review status: criteria provided, single submitter. Criteria: Invitae Variant Classification Sherloc (09022015). Collection method: clinical testing. Allele origin: germline.
Comment: This sequence change replaces serine, which is neutral and polar, with arginine, which is basic and polar, at codon 1310 of the BLM protein (p.Ser1310Arg). This variant is not present in population databases (gnomAD no frequency). This variant has not been reported in the literature in individuals affected with BLM-related conditions. Advanced modeling of protein sequence and biophysical properties (such as structural, functional, and spatial information, amino acid conservation, physicochemical variation, residue mobility, and thermodynamic stability) performed at Invitae indicates that this missense variant is not expected to disrupt BLM protein function with a negative predictive value of 80%. In summary, the available evidence is currently insufficient to determine the role of this variant in disease. Therefore, it has been classified as a Variant of Uncertain Significance.

NM_000057.4(BLM):c.3928A>C (p.Ser1310Arg)

Gene: BLM (BLM RecQ like helicase; plus strand). Cytogenetic location: 15q26.1.
Variant type: single nucleotide variant.
Coding change: c.3928A>C on transcript NM_000057.4 (MANE Select); coding-DNA position 3928, A replaced by C.
Protein change: p.Ser1310Arg; replaces serine 1310 with arginine.
Molecular consequence: missense variant.
Genome position (GRCh38, 1-based): chr15:90,811,258, A>C. VCF-style: chr15-90811258-A-C. GRCh37 (hg19) VCF-style: chr15-91354488-A-C.
Other names: c.3928A>C, p.Ser1310Arg (NM_001287246.2); c.3535A>C, p.Ser1179Arg (NM_001287247.2); c.2803A>C, p.Ser935Arg (NM_001287248.2); short protein forms S1310R, S1179R, S935R.
Identifiers: ClinVar variation 2708856 (VCV002708856.3), dbSNP rs2505566753, ClinGen allele CA393850636.